The following is an entry in ClinVar:

NM_018026.4(PACS1):c.2609C>T (p.Ser870Phe)

Gene: PACS1 (phosphofurin acidic cluster sorting protein 1; plus strand). Cytogenetic location: 11q13.2.
Variant type: single nucleotide variant.
Coding change: c.2609C>T on transcript NM_018026.4 (MANE Select); coding-DNA position 2609, C replaced by T.
Protein change: p.Ser870Phe; replaces serine 870 with phenylalanine.
Molecular consequence: missense variant.
Genome position (GRCh38, 1-based): chr11:66,241,606, C>T. VCF-style: chr11-66241606-C-T. GRCh37 (hg19) VCF-style: chr11-66009077-C-T.
Other names: short protein forms S870F.
Identifiers: ClinVar variation 2915464 (VCV002915464.3), dbSNP rs2495608186, ClinGen allele CA381383112.

ClinVar aggregate classification (germline): Uncertain significance (1 of 4 stars; one submission).

Conditions:
Schuurs-Hoeijmakers syndrome. Also called: PACS1-Related Neurodevelopmental Disorder. Identifiers: Orphanet 329224, MedGen C3554343, MONDO:0014006, OMIM 615009.

Allele frequency attached by ClinVar (database versions not stated): gnomAD exomes below 0.00001.
gnomAD v4.1: 1 of 1,614,128 alleles (0.000062%); highest among the groups gnomAD compares: Non-Finnish European, 0.000085%; no homozygotes.

Submission:

Labcorp Genetics (formerly Invitae), Labcorp
Classification: Uncertain significance for Schuurs-Hoeijmakers syndrome. Last evaluated: 2023-12-26. Review status: criteria provided, single submitter. Criteria: Invitae Variant Classification Sherloc (09022015). Collection method: clinical testing. Allele origin: germline.
Comment: This sequence change replaces serine, which is neutral and polar, with phenylalanine, which is neutral and non-polar, at codon 870 of the PACS1 protein (p.Ser870Phe). This variant is not present in population databases (gnomAD no frequency). This variant has not been reported in the literature in individuals affected with PACS1-related conditions. Advanced modeling of protein sequence and biophysical properties (such as structural, functional, and spatial information, amino acid conservation, physicochemical variation, residue mobility, and thermodynamic stability) performed at Invitae indicates that this missense variant is not expected to disrupt PACS1 protein function with a negative predictive value of 80%. In summary, the available evidence is currently insufficient to determine the role of this variant in disease. Therefore, it has been classified as a Variant of Uncertain Significance.